The following is an entry in ClinVar:

NM_000717.5(CA4):c.935G>A (p.Arg312Gln)

Gene: CA4 (carbonic anhydrase 4; plus strand). Cytogenetic location: 17q23.1.
Variant type: single nucleotide variant.
Coding change: c.935G>A on transcript NM_000717.5 (MANE Select); coding-DNA position 935, G replaced by A.
Protein change: p.Arg312Gln; replaces arginine 312 with glutamine.
Molecular consequence: missense variant. On other transcripts: non-coding transcript variant (1).
Genome position (GRCh38, 1-based): chr17:60,159,420, G>A. VCF-style: chr17-60159420-G-A. GRCh37 (hg19) VCF-style: chr17-58236781-G-A.
Other names: short protein forms R312Q.
Identifiers: ClinVar variation 1470446 (VCV001470446.6), dbSNP rs1444704388, ClinGen allele CA400460857.

ClinVar aggregate classification (germline): Uncertain significance (1 of 4 stars; one submission).

Allele frequency attached by ClinVar (database versions not stated): gnomAD exomes below 0.00001 and 0.00001; TOPMed 0.00001; gnomAD 0.00002 and 0.00003.

Submission:

Labcorp Genetics (formerly Invitae), Labcorp
Classification: Uncertain significance. Last evaluated: 2024-11-19. Review status: criteria provided, single submitter. Criteria: Invitae Variant Classification Sherloc (09022015). Collection method: clinical testing. Allele origin: germline.
Comment: This sequence change replaces arginine, which is basic and polar, with glutamine, which is neutral and polar, at codon 312 of the CA4 protein (p.Arg312Gln). The frequency data for this variant in the population databases is considered unreliable, as metrics indicate poor data quality at this position in the gnomAD database. This variant has not been reported in the literature in individuals affected with CA4-related conditions. ClinVar contains an entry for this variant (Variation ID: 1470446). An algorithm developed to predict the effect of missense changes on protein structure and function outputs the following: PolyPhen-2: "Not Available". The glutamine amino acid residue is found in multiple mammalian species, which suggests that this missense change does not adversely affect protein function. In summary, the available evidence is currently insufficient to determine the role of this variant in disease. Therefore, it has been classified as a Variant of Uncertain Significance.